The following is an entry in ClinVar:

NM_000243.3(MEFV):c.1499C>T (p.Thr500Ile)

Gene: MEFV (MEFV innate immunity regulator, pyrin; minus strand). Cytogenetic location: 16p13.3.
Variant type: single nucleotide variant.
Coding change: c.1499C>T on transcript NM_000243.3 (MANE Select); coding-DNA position 1499, C replaced by T.
Protein change: p.Thr500Ile; replaces threonine 500 with isoleucine.
Molecular consequence: missense variant.
Genome position (GRCh38, 1-based): chr16:3,247,104, G>A on the plus strand (C>T on the coding strand, the complement: MEFV is on the minus strand). VCF-style: chr16-3247104-G-A. GRCh37 (hg19) VCF-style: chr16-3297104-G-A.
Other names: c.866C>T, p.Thr289Ile (NM_001198536.2); short protein forms T289I, T500I.
Identifiers: ClinVar variation 2810744 (VCV002810744.3), dbSNP rs2543145428, ClinGen allele CA394463757.

ClinVar aggregate classification (germline): Uncertain significance (1 of 4 stars; one submission).

Conditions:
Familial Mediterranean fever (FMF). Also called: POLYSEROSITIS, FAMILIAL PAROXYSMAL; POLYSEROSITIS, RECURRENT; Periodic peritonitis; Benign paroxysmal peritonitis. Identifiers: Orphanet 342, MedGen C0031069, MONDO:0018088, OMIM 249100. Disease mechanism: gain of function.

Allele frequency attached by ClinVar (database versions not stated): gnomAD exomes below 0.00001.
gnomAD v4.1: 1 of 1,614,182 alleles (0.000062%); highest among the groups gnomAD compares: Non-Finnish European, 0.000085%; no homozygotes.

Submission:

Labcorp Genetics (formerly Invitae), Labcorp
Classification: Uncertain significance for Familial Mediterranean fever. Last evaluated: 2024-07-10. Review status: criteria provided, single submitter. Criteria: Invitae Variant Classification Sherloc (09022015). Collection method: clinical testing. Allele origin: germline.
Comment: This sequence change replaces threonine, which is neutral and polar, with isoleucine, which is neutral and non-polar, at codon 500 of the MEFV protein (p.Thr500Ile). This variant is not present in population databases (gnomAD no frequency). This variant has not been reported in the literature in individuals affected with MEFV-related conditions. An algorithm developed to predict the effect of missense changes on protein structure and function outputs the following: PolyPhen-2: "Benign". In summary, the available evidence is currently insufficient to determine the role of this variant in disease. Therefore, it has been classified as a Variant of Uncertain Significance.